The following is an entry in ClinVar:

ClinVar aggregate classification (germline): Uncertain significance. Review status: criteria provided, multiple submitters, no conflicts (2 of 4 stars). 2 submissions from 2 submitters: Uncertain significance (2). Last evaluated 2024-11-08.

Allele frequency attached by ClinVar (database versions not stated): gnomAD exomes below 0.00001; TOPMed below 0.00001.
gnomAD v4.1: 2 of 1,613,964 alleles (0.00012%); highest among the groups gnomAD compares: Non-Finnish European, 0.000085%; no homozygotes.

Submissions (2):

Ambry Genetics
Classification: Uncertain significance. Last evaluated: 2024-11-08. Review status: criteria provided, single submitter. Criteria: Ambry Variant Classification Scheme 2023. Collection method: clinical testing. Allele origin: germline.

Labcorp Genetics (formerly Invitae), Labcorp
Classification: Uncertain significance. Last evaluated: 2022-06-22. Review status: criteria provided, single submitter. Criteria: Invitae Variant Classification Sherloc (09022015). Collection method: clinical testing. Allele origin: germline.
Comment: This variant has not been reported in the literature in individuals affected with MUT-related conditions. Algorithms developed to predict the effect of missense changes on protein structure and function (SIFT, PolyPhen-2, Align-GVGD) all suggest that this variant is likely to be tolerated. In summary, the available evidence is currently insufficient to determine the role of this variant in disease. Therefore, it has been classified as a Variant of Uncertain Significance. This sequence change replaces cysteine, which is neutral and slightly polar, with glycine, which is neutral and non-polar, at codon 742 of the MUT protein (p.Cys742Gly). This variant is not present in population databases (gnomAD no frequency).

NM_000255.4(MMUT):c.2224T>G (p.Cys742Gly)

Gene: MMUT (methylmalonyl-CoA mutase; minus strand). Cytogenetic location: 6p12.3.
Variant type: single nucleotide variant.
Coding change: c.2224T>G on transcript NM_000255.4 (MANE Select); coding-DNA position 2224, T replaced by G.
Protein change: p.Cys742Gly; replaces cysteine 742 with glycine.
Molecular consequence: missense variant.
Genome position (GRCh38, 1-based): chr6:49,431,757, A>C on the plus strand (T>G on the coding strand, the complement: MMUT is on the minus strand). VCF-style: chr6-49431757-A-C. GRCh37 (hg19) VCF-style: chr6-49399470-A-C.
Other names: c.2224T>G (NM_000255.3); short protein forms C742G.
Identifiers: ClinVar variation 1941193 (VCV001941193.6), dbSNP rs1766984689, ClinGen allele CA364582883.
Genomic context (GRCh38, chr6:49,431,757, plus strand): 5'-TTTAGACAAAAGCTAAAACAAAAAGAGGATATTATACAGATTGCTGCTTCTTTTCCAAAC[A>C]CTTCTCAATATCATCAAGCACCTGAACGGCAGCCTTTGGAATTCGAGTCCCAGGACCAAA-3'
Protein context (NP_000246.2, residues 732-750): AVQVLDDIEK[Cys742Gly]LEKKQQSV